The following is an entry in ClinVar:

NM_000038.6(APC):c.1369dup (p.Ser457fs)

Gene: APC (APC regulator of Wnt signaling pathway; plus strand). Cytogenetic location: 5q22.2.
Variant type: Duplication.
Coding change: c.1369dup on transcript NM_000038.6 (MANE Select); coding-DNA position 1369, one base duplicated (T; older notation c.1369dupT).
Protein change: p.Ser457fs; shifts the reading frame from serine 457.
Molecular consequence: frameshift variant. On other transcripts: non-coding transcript variant (2).
Genome position (GRCh38, 1-based): chr5:112,821,952, T duplicated; the last of 3 consecutive T bases (chr5:112,821,950-112,821,952); duplicating any one gives the same sequence. VCF-style (leftmost placement, unchanged base first): chr5-112821949-C-CT. GRCh37 (hg19) VCF-style: chr5-112157646-C-CT.
Other names: c.1066dup, p.Ser356fs (NM_001407459.1, NM_001407460.1, NM_001354903.2 and 5 more transcripts); c.982dup, p.Ser328fs (NM_001407467.1, NM_001407469.1); c.520dup, p.Ser174fs (NM_001407470.1, NM_001354906.2); c.217dup, p.Ser73fs (NM_001407471.1, NM_001407472.1); c.1369dup, p.Ser457fs (NM_001127510.3, NM_001354895.2, NM_001354896.2 and 4 more transcripts); c.1315dup, p.Ser439fs (NM_001127511.3); c.1399dup, p.Ser467fs (NM_001354897.2, NM_001407446.1); c.1294dup, p.Ser432fs (NM_001354898.2, NM_001407451.1); and 5 more; short protein forms S328fs, S356fs, S366fs, S439fs, S457fs, S174fs, S398fs, S331fs.
Identifiers: ClinVar variation 2566949 (VCV002566949.4), dbSNP rs387906229, ClinGen allele CA2580613623.
Genomic context (GRCh38, chr5:112,821,949, plus strand): 5'-TTTTCAGTGCCAGCTCCTGTTGAACATCAGATCTGTCCTGCTGTGTGTGTTCTAATGAAA[C>CT]TTTCATTTGATGAAGAGCATAGACATGCAATGAATGAACTAGGTAAGACAAAAATGTTTT-3'

ClinVar aggregate classification (germline): Pathogenic. Review status: criteria provided, multiple submitters, no conflicts (2 of 4 stars). 2 submissions from 2 submitters: Pathogenic (2). Last evaluated 2023-05-01.

Conditions:
Hereditary cancer-predisposing syndrome. Also called: Hereditary neoplastic syndrome; Hereditary Cancer Syndrome; Neoplastic Syndromes, Hereditary; Tumor predisposition. Identifiers: Orphanet 140162, MedGen C0027672, MeSH D009386, MONDO:0015356.
Familial adenomatous polyposis 1 (FAP1). Also called: POLYPOSIS, ADENOMATOUS INTESTINAL; FAMILIAL ADENOMATOUS POLYPOSIS 1, ATTENUATED. Identifiers: MedGen C2713442, MONDO:0021056, OMIM 175100. Disease mechanism: loss of function.

Submissions (2):

Myriad Genetics, Inc.
Classification: Pathogenic for Familial adenomatous polyposis 1. Last evaluated: 2023-05-01. Review status: criteria provided, single submitter. Criteria: Myriad Autosomal Dominant, Autosomal Recessive and X-Linked Classification Criteria (2023). Collection method: clinical testing. Allele origin: unknown.
Comment: This variant is considered pathogenic. This variant creates a frameshift predicted to result in premature protein truncation.

Ambry Genetics
Classification: Pathogenic for Hereditary cancer-predisposing syndrome. Last evaluated: 2023-04-12. Review status: criteria provided, single submitter. Criteria: Ambry Variant Classification Scheme 2023. Collection method: clinical testing. Allele origin: germline.
Comment: The c.1369dupT pathogenic mutation, located in coding exon 10 of the APC gene, results from a duplication of T at nucleotide position 1369, causing a translational frameshift with a predicted alternate stop codon (p.S457Ffs*3). This alteration has been observed in at least one individual with a personal and/or family history that is consistent with APC-related disease (Ambry internal data). This alteration is expected to result in loss of function by premature protein truncation or nonsense-mediated mRNA decay. This variant is considered to be rare based on population cohorts in the Genome Aggregation Database (gnomAD). As such, this alteration is interpreted as a disease-causing mutation.